The following is an entry in ClinVar:

NM_030662.4(MAP2K2):c.1039A>G (p.Asn347Asp)

Gene: MAP2K2 (mitogen-activated protein kinase kinase 2; minus strand). Cytogenetic location: 19p13.3.
Variant type: single nucleotide variant.
Coding change: c.1039A>G on transcript NM_030662.4 (MANE Select); coding-DNA position 1039, A replaced by G.
Protein change: p.Asn347Asp; replaces asparagine 347 with aspartic acid.
Molecular consequence: missense variant.
Genome position (GRCh38, 1-based): chr19:4,095,395, T>C on the plus strand (A>G on the coding strand, the complement: MAP2K2 is on the minus strand). VCF-style: chr19-4095395-T-C. GRCh37 (hg19) VCF-style: chr19-4095393-T-C.
Other names: short protein forms N347D.
Identifiers: ClinVar variation 372940 (VCV000372940.3), dbSNP rs1057518088, ClinGen allele CA16043090.

ClinVar aggregate classification (germline): Uncertain significance. Review status: criteria provided, multiple submitters, no conflicts (2 of 4 stars). 2 submissions from 2 submitters: Uncertain significance (2). Last evaluated 2023-03-05.

Conditions:
Cardiovascular phenotype. Identifiers: MedGen CN230736.

Allele frequency attached by ClinVar (database versions not stated): gnomAD exomes below 0.00001; gnomAD 0.00001.
gnomAD v4.1: 6 of 1,551,078 alleles (0.00039%); highest among the groups gnomAD compares: Non-Finnish European, 0.00052%; no homozygotes.

Submissions (2):

Ambry Genetics
Classification: Uncertain significance for Cardiovascular phenotype. Last evaluated: 2023-03-05. Review status: criteria provided, single submitter. Criteria: Ambry Variant Classification Scheme 2023. Collection method: clinical testing. Allele origin: germline.
Comment: The p.N347D variant (also known as c.1039A>G), located in coding exon 9 of the MAP2K2 gene, results from an A to G substitution at nucleotide position 1039. The asparagine at codon 347 is replaced by aspartic acid, an amino acid with highly similar properties. This amino acid position is conserved. In addition, this alteration is predicted to be tolerated by in silico analysis. Since supporting evidence is limited at this time, the clinical significance of this alteration remains unclear.

GeneDx
Classification: Uncertain significance. Last evaluated: 2016-05-17. Review status: criteria provided, single submitter. Criteria: GeneDx Variant Classification (06012015). Collection method: clinical testing. Allele origin: germline. Affected: yes.
Comment: The N347D variant has not been published as a pathogenic variant or been reported as a benign variant to our knowledge. This variant was not observed in approximately 5,100 individuals of European and African American ancestry in the NHLBI Exome Sequencing Project, indicating it is not a common benign variant in these populations. The N347D variant is a semi-conservative amino acid substitution, which may impact secondary protein structure as these residues differ in some properties. This substitution occurs at a position where amino acids with similar properties to Aspartic acid are tolerated across species. Consequently, in silico analysis is inconsistent in its predictions as to whether or not the variant is damaging to the protein structure/function.Therefore, based on the currently available information, it is unclear whether this variant is pathogenic or benign